The following is an entry in ClinVar:

NM_177924.5(ASAH1):c.967C>G (p.Arg323Gly)

Gene: ASAH1 (N-acylsphingosine amidohydrolase 1; minus strand). Cytogenetic location: 8p22.
Variant type: single nucleotide variant.
Coding change: c.967C>G on transcript NM_177924.5 (MANE Select); coding-DNA position 967, C replaced by G.
Protein change: p.Arg323Gly; replaces arginine 323 with glycine.
Molecular consequence: missense variant.
Genome position (GRCh38, 1-based): chr8:18,059,415, G>C on the plus strand (C>G on the coding strand, the complement: ASAH1 is on the minus strand). VCF-style: chr8-18059415-G-C. GRCh37 (hg19) VCF-style: chr8-17916924-G-C.
Other names: c.949C>G, p.Arg317Gly (NM_001127505.3); c.772C>G, p.Arg258Gly (NM_001363743.2); c.1015C>G, p.Arg339Gly (NM_004315.6); short protein forms R323G, R258G, R317G, R339G.
Identifiers: ClinVar variation 2034462 (VCV002034462.1), dbSNP rs147830297, ClinGen allele CA370427494.

ClinVar aggregate classification (germline): Uncertain significance (1 of 4 stars; one submission).

gnomAD v4.1: 6 of 1,614,018 alleles (0.00037%); highest among the groups gnomAD compares: Non-Finnish European, 0.00051%; no homozygotes.

Submission:

Labcorp Genetics (formerly Invitae), Labcorp
Classification: Uncertain significance. Last evaluated: 2022-08-07. Review status: criteria provided, single submitter. Criteria: Invitae Variant Classification Sherloc (09022015). Collection method: clinical testing. Allele origin: germline.
Comment: This sequence change replaces arginine, which is basic and polar, with glycine, which is neutral and non-polar, at codon 323 of the ASAH1 protein (p.Arg323Gly). This variant is present in population databases (no rsID available, gnomAD 0.0009%). This variant has not been reported in the literature in individuals affected with ASAH1-related conditions. Algorithms developed to predict the effect of missense changes on protein structure and function are either unavailable or do not agree on the potential impact of this missense change (SIFT: "Tolerated"; PolyPhen-2: "Possibly Damaging"; Align-GVGD: "Class C0"). In summary, the available evidence is currently insufficient to determine the role of this variant in disease. Therefore, it has been classified as a Variant of Uncertain Significance.